The following is an entry in ClinVar:

NM_000091.5(COL4A3):c.2215G>T (p.Gly739Ter)

Genes: COL4A3 (collagen type IV alpha 3 chain; plus strand), MFF-DT (MFF divergent transcript; minus strand). Cytogenetic location: 2q36.3.
Variant type: single nucleotide variant.
Coding change: c.2215G>T on transcript NM_000091.5 (MANE Select); coding-DNA position 2215, G replaced by T.
Protein change: p.Gly739Ter; replaces glycine 739 with a stop codon.
Molecular consequence: nonsense.
Genome position (GRCh38, 1-based): chr2:227,279,882, G>T. VCF-style: chr2-227279882-G-T. GRCh37 (hg19) VCF-style: chr2-228144598-G-T.
Other names: short protein forms G739*.
Identifiers: ClinVar variation 5013185 (VCV005013185.1).

ClinVar aggregate classification (germline): Pathogenic (1 of 4 stars; one submission).

Conditions:
Alport syndrome. Also called: Hemorrhagic familial nephritis; Hemorrhagic hereditary nephritis; Congenital hereditary hematuria. Identifiers: Orphanet 63, MedGen C1567741, MONDO:0018965.

Submission:

Myriad Genetics, Inc.
Classification: Pathogenic for Alport syndrome. Last evaluated: 2024-06-15. Review status: criteria provided, single submitter. Criteria: Myriad Autosomal Dominant, Autosomal Recessive and X-Linked Classification Criteria (2023). Collection method: clinical testing. Allele origin: unknown.
Comment: NM_000091.4(COL4A3):c.2215G>T(G739*) is expected to be pathogenic in the context of Alport syndrome, COL4A3-related. This variant is predicted to lead to an abnormal or absent protein product due to the creation of a premature termination codon in COL4A3, a gene where loss-of-function variants are known to be pathogenic. Please note: this variant was assessed in the context of healthy population screening.